The following is an entry in ClinVar:

NM_021076.4(NEFH):c.968G>A (p.Arg323His)

Gene: NEFH (neurofilament heavy chain; plus strand). Cytogenetic location: 22q12.2.
Variant type: single nucleotide variant.
Coding change: c.968G>A on transcript NM_021076.4 (MANE Select); coding-DNA position 968, G replaced by A.
Protein change: p.Arg323His; replaces arginine 323 with histidine.
Molecular consequence: missense variant.
Genome position (GRCh38, 1-based): chr22:29,483,459, G>A. VCF-style: chr22-29483459-G-A. GRCh37 (hg19) VCF-style: chr22-29879448-G-A.
Other names: c.968G>A (NM_021076.3); short protein forms R323H.
Identifiers: ClinVar variation 1464511 (VCV001464511.7), dbSNP rs756952361, ClinGen allele CA10174079.
Genomic context (GRCh38, chr22:29,483,459, plus strand): 5'-CAGCCAAGGTGAACACAGACGCTATGCGCTCAGCGCAGGAGGAGATAACTGAGTACCGGC[G>A]TCAGCTGCAGGCCAGGACCACAGAGCTGGAGGCACTGAAAAGCACCAAGGACTCACTGGA-3'
Protein context (NP_066554.2, residues 313-333): SAQEEITEYR[Arg323His]QLQARTTELE

ClinVar aggregate classification (germline): Uncertain significance. Review status: criteria provided, multiple submitters, no conflicts (2 of 4 stars). 2 submissions from 2 submitters: Uncertain significance (2). Last evaluated 2025-04-26.

Allele frequency attached by ClinVar (database versions not stated): ExAC 0.00001; gnomAD 0.00001; gnomAD exomes 0.00001.
gnomAD v4.1: 9 of 1,613,900 alleles (0.00056%); highest among the groups gnomAD compares: Middle Eastern, 0.016%; no homozygotes.

Submissions (2):

Labcorp Genetics (formerly Invitae), Labcorp
Classification: Uncertain significance. Last evaluated: 2025-04-26. Review status: criteria provided, single submitter. Criteria: Invitae Variant Classification Sherloc (09022015). Collection method: clinical testing. Allele origin: germline.
Comment: This sequence change replaces arginine, which is basic and polar, with histidine, which is basic and polar, at codon 323 of the NEFH protein (p.Arg323His). This variant is present in population databases (rs756952361, gnomAD 0.003%). This variant has not been reported in the literature in individuals affected with NEFH-related conditions. ClinVar contains an entry for this variant (Variation ID: 1464511). Invitae Evidence Modeling of protein sequence and biophysical properties (such as structural, functional, and spatial information, amino acid conservation, physicochemical variation, residue mobility, and thermodynamic stability) indicates that this missense variant is not expected to disrupt NEFH protein function with a negative predictive value of 95%. In summary, the available evidence is currently insufficient to determine the role of this variant in disease. Therefore, it has been classified as a Variant of Uncertain Significance.

GeneDx
Classification: Uncertain significance. Last evaluated: 2023-10-02. Review status: criteria provided, single submitter. Criteria: GeneDx Variant Classification Process June 2021. Collection method: clinical testing. Allele origin: germline. Affected: yes.
Comment: In silico analysis supports that this missense variant has a deleterious effect on protein structure/function; Has not been previously published as pathogenic or benign to our knowledge